The following is an entry in ClinVar:

ClinVar aggregate classification (germline): Pathogenic (1 of 4 stars; one submission).

Conditions:
Inborn genetic diseases. Identifiers: MedGen C0950123, MeSH D030342.

Submission:

Ambry Genetics
Classification: Pathogenic for Inborn genetic diseases. Review status: criteria provided, single submitter. Criteria: Ambry exome assertion method (8-5-2015). Collection method: clinical testing. Allele origin: germline. Inheritance: Autosomal dominant inheritance. Affected: yes. Observed: 1 heterozygote. Segregation with disease observed.
Comment: POSITIVE: Relevant Alteration(s) Detected

Literature cited by the submitters: PubMed 25356970.

NM_017780.4(CHD7):c.5167dup (p.Gln1723fs)

Gene: CHD7 (chromodomain helicase DNA binding protein 7; plus strand). Cytogenetic location: 8q12.2.
Variant type: Duplication.
Coding change: c.5167dup on transcript NM_017780.4 (MANE Select); coding-DNA position 5167, one base duplicated (C; older notation c.5167dupC).
Protein change: p.Gln1723fs; shifts the reading frame from glutamine 1723.
Molecular consequence: frameshift variant. On other transcripts: intron variant (1).
Genome position (GRCh38, 1-based): chr8:60,845,366, C duplicated; the last of 2 consecutive C bases (chr8:60,845,365-60,845,366); duplicating either gives the same sequence. VCF-style (leftmost placement, unchanged base first): chr8-60845364-T-TC. GRCh37 (hg19) VCF-style: chr8-61757923-T-TC.
Other names: c.1717-16863dup (NM_001316690.1); short protein forms Q1723fs.
Identifiers: ClinVar variation 208735 (VCV000208735.2), dbSNP rs797044919, ClinGen allele CA204789.
Genomic context (GRCh38, chr8:60,845,364, plus strand): 5'-GCACACAGCCGGTGGTGCAGGATGCCGACTGGCTGGCCAGCTGCAACCCAGATGCCCTGT[T>TC]CCAGGAGGACAGCTACAAGAAACACCTGAAGCATCACTGTAACAAGTATGTTATTAGAGG-3'